The following is an entry in ClinVar:

NM_004260.4(RECQL4):c.1221G>A (p.Glu407=)

Gene: RECQL4 (RecQ like helicase 4; minus strand). Cytogenetic location: 8q24.3.
Variant type: single nucleotide variant.
Coding change: c.1221G>A on transcript NM_004260.4 (MANE Select); coding-DNA position 1221, G replaced by A.
Protein change: p.Glu407=; no amino-acid change (glutamic acid 407 retained).
Molecular consequence: synonymous variant.
Genome position (GRCh38, 1-based): chr8:144,515,801, C>T on the plus strand (G>A on the coding strand, the complement: RECQL4 is on the minus strand). VCF-style: chr8-144515801-C-T. GRCh37 (hg19) VCF-style: chr8-145741185-C-T.
Other names: c.1221G>A (NM_004260.3).
Identifiers: ClinVar variation 1154570 (VCV001154570.8), dbSNP rs1036693573, ClinGen allele CA187687947.
Genomic context (GRCh38, chr8:144,515,801, plus strand): 5'-ACCCTCCAGGGCAGATGTCTCACCTGGCCGGGGACACTGGGCTGCCCAGTGATCGAACTG[C>T]TCGTTCAGGAAACAAGACTCCTTGGTTGTGACTGTGGCACCACCACCCCCAAAACACTCC-3'
Protein context (NP_004251.4, residues 397-417): VTTKESCFLN[Glu407=]QFDHWAAQCP

ClinVar aggregate classification (germline): Likely benign. Review status: criteria provided, multiple submitters, no conflicts (2 of 4 stars). 2 submissions from 2 submitters: Likely benign (2). Last evaluated 2026-04-28.

Conditions:
RECQL4-related disorder. Also called: RECQL4-related condition; RECQL4-related disorders.
Baller-Gerold syndrome (BGS). Also called: CRANIOSYNOSTOSIS WITH RADIAL DEFECTS. Identifiers: Orphanet 1225, MedGen C0265308, MONDO:0009039, OMIM 218600.

Allele frequency attached by ClinVar (database versions not stated): gnomAD 0.00001; gnomAD exomes 0.00001.

Submissions (2):

PreventionGenetics, part of Exact Sciences
Classification: Likely benign for RECQL4-related condition. Last evaluated: 2026-04-28. Review status: criteria provided, single submitter. Criteria: ACMG Guidelines, 2015. Collection method: clinical testing. Allele origin: germline.
Comment: This variant is classified as likely benign based on ACMG/AMP sequence variant interpretation guidelines (Richards et al. 2015 PMID: 25741868, with internal and published modifications).

Labcorp Genetics (formerly Invitae), Labcorp
Classification: Likely benign for Baller-Gerold syndrome. Last evaluated: 2025-07-31. Review status: criteria provided, single submitter. Criteria: Invitae Variant Classification Sherloc (09022015). Collection method: clinical testing. Allele origin: germline.